The following is an entry in ClinVar:

ClinVar aggregate classification (germline): Uncertain significance. Review status: criteria provided, multiple submitters, no conflicts (2 of 4 stars). 6 submissions from 6 submitters: Uncertain significance (5). 1 of the submissions does not count toward it. Last evaluated 2025-08-01.

Conditions:
ATP6V1B1-related disorder. Also called: ATP6V1B1-related condition.
Inborn genetic diseases. Identifiers: MedGen C0950123, MeSH D030342.
Renal tubular acidosis with progressive nerve deafness. Also called: Distal Renal Tubular Acidosis with Progressive Sensorineural Deafness; renal tubular acidosis, distal, 2, with progressive sensorineural hearing loss; RENAL TUBULAR ACIDOSIS, AUTOSOMAL RECESSIVE, WITH PROGRESSIVE NERVE DEAFNESS; RTA WITH PROGRESSIVE NERVE DEAFNESS. Identifiers: MedGen C0403554, MONDO:0009968, OMIM 267300.

Allele frequency attached by ClinVar (database versions not stated): gnomAD exomes 0.00002; ExAC 0.00007; gnomAD 0.00012 and 0.00013; TOPMed 0.00019; ESP Exome Variant Server 0.00038.
gnomAD v4.1: 45 of 1,613,206 alleles (0.0028%); highest among the groups gnomAD compares: African/African-American, 0.051%; 1 homozygote.

Submissions (6):

Ambry Genetics
Classification: Uncertain significance for Inborn genetic diseases. Last evaluated: 2025-08-01. Review status: criteria provided, single submitter. Criteria: Ambry Variant Classification Scheme 2023. Collection method: clinical testing. Allele origin: germline.

PreventionGenetics, part of Exact Sciences
Classification: Uncertain significance for ATP6V1B1-related condition. Last evaluated: 2025-05-21. Review status: criteria provided, single submitter. Criteria: ACMG Guidelines, 2015. Collection method: clinical testing. Allele origin: germline.
Comment: The ATP6V1B1 c.4G>T variant is predicted to result in the amino acid substitution p.Ala2Ser. To our knowledge, this variant has not been reported in the literature. This variant is reported in 0.032% of alleles in individuals of African descent in gnomAD. At this time, the clinical significance of this variant is uncertain due to the absence of conclusive functional and genetic evidence.

Fulgent Genetics
Classification: Uncertain significance for Renal tubular acidosis with progressive nerve deafness. Last evaluated: 2024-03-26. Review status: criteria provided, single submitter. Criteria: ACMG Guidelines, 2015. Collection method: clinical testing. Allele origin: germline.

Labcorp Genetics (formerly Invitae), Labcorp
Classification: Uncertain significance. Last evaluated: 2021-08-31. Review status: criteria provided, single submitter. Criteria: Invitae Variant Classification Sherloc (09022015). Collection method: clinical testing. Allele origin: germline.
Comment: This sequence change replaces alanine with serine at codon 2 of the ATP6V1B1 protein (p.Ala2Ser). The alanine residue is moderately conserved and there is a moderate physicochemical difference between alanine and serine. This variant is present in population databases (rs142881463, ExAC 0.06%). This variant has not been reported in the literature in individuals affected with ATP6V1B1-related conditions. Algorithms developed to predict the effect of missense changes on protein structure and function (SIFT, PolyPhen-2, Align-GVGD) all suggest that this variant is likely to be tolerated. In summary, the available evidence is currently insufficient to determine the role of this variant in disease. Therefore, it has been classified as a Variant of Uncertain Significance.

GeneDx
Classification: Uncertain significance. Last evaluated: 2020-07-24. Review status: criteria provided, single submitter. Criteria: GeneDx Variant Classification Process June 2021. Collection method: clinical testing. Allele origin: germline. Affected: yes.
Comment: In silico analysis supports that this missense variant does not alter protein structure/function; Has not been previously published as pathogenic or benign to our knowledge

Natera, Inc.
Classification: Uncertain significance for Renal tubular acidosis with progressive nerve deafness. Last evaluated: 2020-01-31. Review status: no assertion criteria provided. Collection method: clinical testing. Allele origin: germline. Not counted in ClinVar's aggregate classification.

NM_001692.4(ATP6V1B1):c.4G>T (p.Ala2Ser)

Gene: ATP6V1B1 (ATPase H+ transporting V1 subunit B1; plus strand). Cytogenetic location: 2p13.3.
Variant type: single nucleotide variant.
Coding change: c.4G>T on transcript NM_001692.4 (MANE Select); coding-DNA position 4, G replaced by T.
Protein change: p.Ala2Ser; replaces alanine 2 with serine.
Molecular consequence: missense variant.
Genome position (GRCh38, 1-based): chr2:70,935,958, G>T. VCF-style: chr2-70935958-G-T. GRCh37 (hg19) VCF-style: chr2-71163088-G-T.
Other names: short protein forms A2S.
Identifiers: ClinVar variation 1210757 (VCV001210757.12), dbSNP rs142881463, ClinGen allele CA1700808.
Genomic context (GRCh38, chr2:70,935,958, plus strand): 5'-TCAGAGCTGCCACCAGCAGCAGGCTCAGACACTGGGCTCCCAGCTGGGGACTGCTCCATG[G>T]CCATGGAGATAGACAGCAGGCCTGGGGGGCTCCCCGGCAGTAGCTGCAACCTAGGTGCAG-3'
Protein context (NP_001683.2, residues 1-12): M[Ala2Ser]MEIDSRPGGL